The following is an entry in ClinVar:

NM_020719.3(PRR12):c.1306G>A (p.Gly436Arg)

Gene: PRR12 (proline rich 12; plus strand). Cytogenetic location: 19q13.33.
Variant type: single nucleotide variant.
Coding change: c.1306G>A on transcript NM_020719.3 (MANE Select); coding-DNA position 1306, G replaced by A.
Protein change: p.Gly436Arg; replaces glycine 436 with arginine.
Molecular consequence: missense variant.
Genome position (GRCh38, 1-based): chr19:49,595,641, G>A. VCF-style: chr19-49595641-G-A. GRCh37 (hg19) VCF-style: chr19-50098898-G-A.
Other names: short protein forms G436R.
Identifiers: ClinVar variation 4535655 (VCV004535655.1).

ClinVar aggregate classification (germline): Uncertain significance (1 of 4 stars; one submission).

gnomAD v4.1: 2 of 1,605,346 alleles (0.00012%); highest among the groups gnomAD compares: Non-Finnish European, 0.00017%; no homozygotes.

Submission:

Women's Health and Genetics/Laboratory Corporation of America, LabCorp
Classification: Uncertain significance. Last evaluated: 2025-09-09. Review status: criteria provided, single submitter. Criteria: LabCorp Variant Classification Summary - May 2015. Collection method: clinical testing. Allele origin: germline.
Comment: Variant summary: PRR12 c.1306G>A (p.Gly436Arg) results in a non-conservative amino acid change in the encoded protein sequence. Algorithms developed to predict the effect of missense changes on protein structure and function are either unavailable or do not agree on the potential impact of this missense change. The variant was absent in 231934 control chromosomes. The available data on variant occurrences in the general population are insufficient to allow any conclusion about variant significance. To our knowledge, no occurrence of c.1306G>A in individuals affected with PRR12-related conditions and no experimental evidence demonstrating its impact on protein function have been reported. No submitters have cited clinical-significance assessments for this variant to ClinVar. Based on the evidence outlined above, the variant was classified as uncertain significance.